The following is an entry in ClinVar:

ClinVar aggregate classification (germline): Likely benign (1 of 4 stars; one submission).

Submission:

CeGaT Center for Human Genetics Tuebingen
Classification: Likely benign. Last evaluated: 2022-12-01. Review status: criteria provided, single submitter. Criteria: CeGaT Center For Human Genetics Tuebingen Variant Classification Criteria Version 2. Collection method: clinical testing. Allele origin: germline. Affected: yes. Observed: 1 variant allele.
Comment: SALL1: PM2:Supporting, BP4, BP7

NM_002968.3(SALL1):c.120G>A (p.Lys40=)

Gene: SALL1 (spalt like transcription factor 1; minus strand). Cytogenetic location: 16q12.1.
Variant type: single nucleotide variant.
Coding change: c.120G>A on transcript NM_002968.3 (MANE Select); coding-DNA position 120, G replaced by A.
Protein change: p.Lys40=; no amino-acid change (lysine 40 retained).
Molecular consequence: synonymous variant. On other transcripts: 5 prime UTR variant (1).
Genome position (GRCh38, 1-based): chr16:51,142,102, C>T on the plus strand (G>A on the coding strand, the complement: SALL1 is on the minus strand). VCF-style: chr16-51142102-C-T. GRCh37 (hg19) VCF-style: chr16-51176013-C-T.
Other names: c.-172G>A (NM_001127892.2).
Identifiers: ClinVar variation 2646530 (VCV002646530.24), dbSNP rs767028554, ClinGen allele CA495782094.
Genomic context (GRCh38, chr16:51,142,102, plus strand): 5'-GAGCAGAAGATCTGATAATTCAAAGAACTCGGCACAGCACCGGCCACAGACGTGGGCATC[C>T]TTGCTCTTAGTAGGGCGACTCGGTTGACCCTTTTCTGTGTCTCCTACAAATGTCAAAAAG-3'
Protein context (NP_002959.2, residues 30-50): KGQPSRPTKS[Lys40=]DAHVCGRCCA